The following is an entry in ClinVar:

NM_012418.4(FSCN2):c.983+5G>C

Gene: FSCN2 (fascin actin-bundling protein 2, retinal; plus strand). Cytogenetic location: 17q25.3.
Variant type: single nucleotide variant.
Coding change: c.983+5G>C on transcript NM_012418.4 (MANE Select); 5 bases into the intron after coding-DNA position 983, G replaced by C.
Molecular consequence: intron variant.
Genome position (GRCh38, 1-based): chr17:81,535,213, G>C. VCF-style: chr17-81535213-G-C. GRCh37 (hg19) VCF-style: chr17-79502239-G-C.
Other names: c.983+5G>C (NM_001077182.3).
Identifiers: ClinVar variation 4715949 (VCV004715949.1).

ClinVar aggregate classification (germline): Uncertain significance (1 of 4 stars; one submission).

Submission:

Labcorp Genetics (formerly Invitae), Labcorp
Classification: Uncertain significance. Last evaluated: 2025-04-08. Review status: criteria provided, single submitter. Criteria: Invitae Variant Classification Sherloc (09022015). Collection method: clinical testing. Allele origin: germline.
Comment: This sequence change falls in intron 2 of the FSCN2 gene. It does not directly change the encoded amino acid sequence of the FSCN2 protein. It affects a nucleotide within the consensus splice site. This variant is not present in population databases (gnomAD no frequency). This variant has not been reported in the literature in individuals affected with FSCN2-related conditions. Variants that disrupt the consensus splice site are a relatively common cause of aberrant splicing (PMID: 17576681, 9536098). Algorithms developed to predict the effect of sequence changes on RNA splicing suggest that this variant may disrupt the consensus splice site. In summary, the available evidence is currently insufficient to determine the role of this variant in disease. Therefore, it has been classified as a Variant of Uncertain Significance.

Literature cited by the submitters: PubMed 17576681; PubMed 9536098.